The following is an entry in ClinVar:

ClinVar aggregate classification (germline): Likely pathogenic (1 of 4 stars; one submission).

Conditions:
Autosomal recessive limb-girdle muscular dystrophy type 2J (LGMDR10). Also called: Limb-girdle muscular dystrophy, type 2J; MUSCULAR DYSTROPHY, LIMB-GIRDLE, AUTOSOMAL RECESSIVE 10. Identifiers: Orphanet 140922, MedGen C1837342, MONDO:0012127, OMIM 608807.
Dilated cardiomyopathy 1G (CMD1G). Identifiers: Orphanet 154, MedGen C1858763, MONDO:0011400, OMIM 604145.

Submission:

Labcorp Genetics (formerly Invitae), Labcorp
Classification: Likely pathogenic for Dilated cardiomyopathy 1G; Autosomal recessive limb-girdle muscular dystrophy type 2J. Last evaluated: 2023-11-21. Review status: criteria provided, single submitter. Criteria: Invitae Variant Classification Sherloc (09022015). Collection method: clinical testing. Allele origin: germline.
Comment: This sequence change creates a premature translational stop signal (p.Phe12001Leufs*13) in the TTN gene. While this is not anticipated to result in nonsense mediated decay, it is expected to create a truncated TTN protein. This variant is not present in population databases (gnomAD no frequency). This variant has not been reported in the literature in individuals affected with TTN-related conditions. This variant is located in the I band of TTN (PMID: 25589632). Truncating variants in this region have been reported in individuals affected with autosomal recessive centronuclear myopathy (PMID: 23975875). Truncating variants in this region have also been identified in individuals affected with autosomal dominant dilated cardiomyopathy and/or cardio-related conditions (PMID: 27869827, 32964742). In summary, the currently available evidence indicates that the variant is pathogenic, but additional data are needed to prove that conclusively. Therefore, this variant has been classified as Likely Pathogenic.

Literature cited by the submitters: PubMed 25589632; PubMed 23975875; PubMed 27869827; PubMed 32964742.

NM_001267550.2(TTN):c.36003del (p.Phe12001fs)

Gene: TTN (titin; minus strand). Cytogenetic location: 2q31.2.
Variant type: Deletion.
Coding change: c.36003del on transcript NM_001267550.2 (MANE Select); coding-DNA position 36003, one base deleted (T; older notation c.36003delT).
Protein change: p.Phe12001fs; shifts the reading frame from phenylalanine 12001.
Molecular consequence: frameshift variant. On other transcripts: intron variant (5).
Genome position (GRCh38, 1-based): chr2:178,665,417, A deleted on the plus strand (T on the coding strand, the reverse complement: TTN is on the minus strand); the first of 3 consecutive A bases (chr2:178,665,417-178,665,419); deleting any one gives the same sequence. VCF-style (leftmost placement, unchanged base first): chr2-178665416-CA-C. GRCh37 (hg19) VCF-style: chr2-179530143-CA-C.
Other names: c.13283-23100del (NM_003319.4); c.13859-23100del (NM_133437.4); c.13658-23100del (NM_133432.3); c.31484-2362del (NM_133378.4); c.34265-2362del (NM_001256850.1); short protein forms F12001fs.
Identifiers: ClinVar variation 2954078 (VCV002954078.3), dbSNP rs2473065199, ClinGen allele CA2740096201.
Genomic context (GRCh38, chr2:178,665,416, plus strand): 5'-ATTTGTTCAGAGGTAACGTACTTTTCATACGTGGAGTTTCTGGCTCTTCAGGTACATCCT[CA>C]AATATTTTCATTTCAGGGACAACTTCTTTCATAGCTTCTGGTGCTTTGAAGATATTAGTA-3'